The following is an entry in ClinVar:

NM_001378778.1(MPDZ):c.3407G>A (p.Ser1136Asn)

Gene: MPDZ (multiple PDZ domain crumbs cell polarity complex component; minus strand). Cytogenetic location: 9p23.
Variant type: single nucleotide variant.
Coding change: c.3407G>A on transcript NM_001378778.1 (MANE Select); coding-DNA position 3407, G replaced by A.
Protein change: p.Ser1136Asn; replaces serine 1136 with asparagine.
Molecular consequence: missense variant. On other transcripts: intron variant (1).
Genome position (GRCh38, 1-based): chr9:13,158,063, C>T on the plus strand (G>A on the coding strand, the complement: MPDZ is on the minus strand). VCF-style: chr9-13158063-C-T. GRCh37 (hg19) VCF-style: chr9-13158062-C-T.
Other names: c.3407G>A, p.Ser1136Asn (NM_001261406.2, NM_001261407.2, NM_001330637.2 and 13 more transcripts); c.3255-7375G>A (NM_001375427.1); short protein forms S1136N.
Identifiers: ClinVar variation 740408 (VCV000740408.14), dbSNP rs41265286, ClinGen allele CA4987126.

ClinVar aggregate classification (germline): Benign. Review status: criteria provided, multiple submitters, no conflicts (2 of 4 stars). 3 submissions from 3 submitters: Benign (2). 1 of the submissions does not count toward it. Last evaluated 2026-04-01.

Conditions:
MPDZ-related disorder. Also called: MPDZ-related condition.

Allele frequency attached by ClinVar (database versions not stated): 1000 Genomes Project 0.00080; 1000 Genomes Project 30x 0.00094; TOPMed 0.00114; ESP Exome Variant Server 0.00159; gnomAD exomes 0.00200 and 0.00223; gnomAD 0.00210 and 0.00218; ExAC 0.00233.
gnomAD v4.1: 3,249 of 1,612,790 alleles (0.2%); highest among the groups gnomAD compares: Non-Finnish European, 0.2%; 10 homozygotes.

Submissions (3):

CeGaT Center for Human Genetics Tuebingen
Classification: Benign. Last evaluated: 2026-04-01. Review status: criteria provided, single submitter. Criteria: CeGaT Center For Human Genetics Tuebingen Variant Classification Criteria Version 2. Collection method: clinical testing. Allele origin: germline. Affected: yes. Observed: 1 variant allele.
Comment: MPDZ: BS1, BS2

Labcorp Genetics (formerly Invitae), Labcorp
Classification: Benign. Last evaluated: 2026-02-02. Review status: criteria provided, single submitter. Criteria: Invitae Variant Classification Sherloc (09022015). Collection method: clinical testing. Allele origin: germline.

PreventionGenetics, part of Exact Sciences
Classification: Benign for MPDZ-related condition. Last evaluated: 2023-11-06. Review status: no assertion criteria provided. Collection method: clinical testing. Allele origin: germline. Not counted in ClinVar's aggregate classification.
Comment: This variant is classified as benign based on ACMG/AMP sequence variant interpretation guidelines (Richards et al. 2015 PMID: 25741868, with internal and published modifications).